The following is an entry in ClinVar:

ClinVar aggregate classification (germline): Pathogenic/Likely pathogenic. Review status: criteria provided, multiple submitters, no conflicts (2 of 4 stars). 5 submissions from 5 submitters: Pathogenic (1); Likely pathogenic (2). 2 of the submissions do not count toward it. Last evaluated 2026-01-14.

Conditions:
Gaucher disease. Also called: Acute cerebral Gaucher disease; Cerebroside lipidosis syndrome; Gaucher splenomegaly; Sphingolipidosis 1; Glucocerebrosidosis; Glucosylceramidase deficiency. Identifiers: Orphanet 355, MedGen C0017205, MONDO:0018150.
Gaucher disease perinatal lethal. Also called: Gaucher disease collodion type; Gaucher Disease, Perinatal-Lethal Form. Identifiers: Orphanet 85212, MedGen C1842704, MONDO:0011945, OMIM 608013.

Allele frequency attached by ClinVar (database versions not stated): TOPMed below 0.00001.
gnomAD v4.1: 1 of 1,613,386 alleles (0.000062%); highest among the groups gnomAD compares: Admixed American, 0.0017%; no homozygotes.

Submissions (5):

Labcorp Genetics (formerly Invitae), Labcorp
Classification: Likely pathogenic. Last evaluated: 2026-01-14. Review status: criteria provided, single submitter. Criteria: Invitae Variant Classification Sherloc (09022015). Collection method: clinical testing. Allele origin: germline.
Comment: This sequence change replaces arginine, which is basic and polar, with leucine, which is neutral and non-polar, at codon 170 of the GBA protein (p.Arg170Leu). The frequency data for this variant in the population databases (gnomAD) is considered unreliable due to the presence of homologous sequence, such as pseudogenes or paralogs, in the genome. This missense change has been observed in individual(s) with Gaucher disease and/or Parkinson disease (PMID: 10649495, 10685993, 32035846). It has also been observed to segregate with disease in related individuals. This variant is also known as R131L. ClinVar contains an entry for this variant (Variation ID: 4329). Invitae Evidence Modeling of protein sequence and biophysical properties (such as structural, functional, and spatial information, amino acid conservation, physicochemical variation, residue mobility, and thermodynamic stability) indicates that this missense variant is expected to disrupt GBA protein function with a positive predictive value of 80%. This variant disrupts the p.Arg170 (also known as p.Arg131) amino acid residue in GBA. Other variant(s) that disrupt this residue have been determined to be pathogenic (PMID: 9851895, 20946052, 24022302, 29602947). This suggests that this residue is clinically significant, and that variants that disrupt this residue are likely to be disease-causing. In summary, the currently available evidence indicates that the variant is pathogenic, but additional data are needed to prove that conclusively. Therefore, this variant has been classified as Likely Pathogenic.

Natera, Inc.
Classification: Pathogenic for Gaucher disease. Last evaluated: 2025-08-22. Review status: criteria provided, single submitter. Criteria: Natera Variant Classification Schema (03/2026). Collection method: clinical testing. Allele origin: germline.
Comment: The c.509G>T variant in GBA1 is a missense variant predicted to cause substitution of arginine to leucine at amino acid 170. This variant is rare in the general population with a frequency below the threshold expected for the associated phenotype(s). This variant has been observed in one or more individuals affected with the associated recessive disease, as either homozygous or compound heterozygous with a second variant (PMID: 10685993, 18562733, 10796875). Additionally, this variant has been observed to segregate in affected family members (PMID: 10685993). A different variant at the same position has been determined to be Pathogenic or Likely Pathogenic. Computational prediction algorithms indicate this variant is likely to affect gene or protein function. Given the available evidence, this variant is classified as Pathogenic.

Broad Center for Mendelian Genomics, Broad Institute of MIT and Harvard
Classification: Likely pathogenic for Gaucher disease. Last evaluated: 2020-01-13. Review status: criteria provided, single submitter. Criteria: ACMG Guidelines, 2015. Collection method: curation. Allele origin: germline. Inheritance: Autosomal recessive inheritance.
Comment: The p.Arg170Leu variant in GBA has been reported in 2 individuals with Gaucher disease, segregated with disease in 2 affected relatives from 1 family (PMID: 10685993), and has been identified in 0.003% (1/34592) of Latino chromosomes by the Genome Aggregation Database (gnomAD; dbSNP rs80356763). Although this variant has been seen in the general population, its frequency is low enough to be consistent with a recessive carrier frequency. This variant has also been reported in ClinVar (VariationID: 4329) as pathogenic by OMIM. Computational prediction tools and conservation analyses suggest that this variant may impact the protein, though this information is not predictive enough to determine pathogenicity. One additional pathogenic variant, resulting in a different amino acid change at the same position, p.Arg170Cys, has been reported in association with disease in the literature and ClinVar, supporting that a change at this position may not be tolerated (PMID: 29602947, 23430543, 27008851, 17427031, 20946052, 27922757, 22623374, 20880730; VariationID: 93453). The presence of this variant in 2 affected homozygotes increases the likelihood that the p.Arg170Leu variant is pathogenic (PMID: 10685993). The phenotype of an individual homozygous for this variant is highly specific for Gaucher disease based on extremely low residual enzyme activity, consistent with disease (PMID: 10685993). In summary, although additional studies are required to fully establish its clinical significance, this variant is likely pathogenic. ACMG/AMP Criteria applied: PM2, PM5, PM3, PP3, PP4 (Richards 2015).

OMIM
Classification: Pathogenic for GAUCHER DISEASE, PERINATAL LETHAL. Last evaluated: 2000-03-01. Review status: no assertion criteria provided. Collection method: literature only. Allele origin: germline. Not counted in ClinVar's aggregate classification.

GeneReviews
No classification provided. Condition: Gaucher disease. Review status: no classification provided. Collection method: literature only. Allele origin: germline. Not counted in ClinVar's aggregate classification.

Literature cited by the submitters: PubMed 10649495 (cited by Labcorp Genetics (formerly Invitae), Labcorp); PubMed 10685993 (cited by 5 submitters); PubMed 32035846 (cited by Labcorp Genetics (formerly Invitae), Labcorp); PubMed 9851895 (cited by Labcorp Genetics (formerly Invitae), Labcorp); PubMed 20946052 (cited by Labcorp Genetics (formerly Invitae), Labcorp); PubMed 24022302 (cited by Labcorp Genetics (formerly Invitae), Labcorp); PubMed 29602947 (cited by Labcorp Genetics (formerly Invitae), Labcorp); PubMed 18562733 (cited by Natera, Inc.); PubMed 10796875 (cited by Natera, Inc.).

NM_000157.4(GBA1):c.509G>T (p.Arg170Leu)

Genes: GBA1 (glucosylceramidase beta 1; minus strand), LOC106627981 (GBA recombination region; plus strand). Cytogenetic location: 1q22.
Variant type: single nucleotide variant.
Coding change: c.509G>T on transcript NM_000157.4 (MANE Select); coding-DNA position 509, G replaced by T.
Protein change: p.Arg170Leu; replaces arginine 170 with leucine.
Molecular consequence: missense variant.
Genome position (GRCh38, 1-based): chr1:155,238,596, C>A on the plus strand (G>T on the coding strand, the complement: GBA1 is on the minus strand). VCF-style: chr1-155238596-C-A. GRCh37 (hg19) VCF-style: chr1-155208387-C-A.
Other names: R131L; c.509G>T, p.Arg170Leu (NM_001005741.3, NM_001005742.3); c.248G>T, p.Arg83Leu (NM_001171811.2); c.362G>T, p.Arg121Leu (NM_001171812.2); short protein forms R170L, R121L, R83L.
Identifiers: ClinVar variation 4329 (VCV000004329.8), dbSNP rs80356763, ClinGen allele CA253112.